The following is an entry in ClinVar:

ClinVar aggregate classification (germline): Likely pathogenic (1 of 4 stars; one submission).

Conditions:
Developmental and epileptic encephalopathy, 62. Also called: Early infantile epileptic encephalopathy 62. Identifiers: MedGen C4693699, MONDO:0033371, OMIM 617938.

Submission:

3billion
Classification: Likely pathogenic for Developmental and epileptic encephalopathy, 62. Last evaluated: 2021-10-02. Review status: criteria provided, single submitter. Criteria: ACMG Guidelines, 2015. Collection method: clinical testing. Allele origin: paternal. Affected: yes. Observed: 1 heterozygote.
Comment: It is not observed in the gnomAD v2.1.1 dataset (PM2). A different missense change at the same codon (p.Met1874Thr) has been reported as pathogenic/likely pathogenic with strong evidence (ClinVar ID: VCV000961565.2, PM5). Missense changes are a common disease-causing mechanism (PP2). In silico tool predictions suggest damaging effect of the variant on gene or gene product (REVEL: 0.912, 3Cnet: 0.894, PP3). Therefore, this variant is classified as likely pathogenic according to the recommendation of ACMG/AMP guideline.

NM_006922.4(SCN3A):c.5621T>G (p.Met1874Arg)

Gene: SCN3A (sodium voltage-gated channel alpha subunit 3; minus strand). Cytogenetic location: 2q24.3.
Variant type: single nucleotide variant.
Coding change: c.5621T>G on transcript NM_006922.4 (MANE Select); coding-DNA position 5621, T replaced by G.
Protein change: p.Met1874Arg; replaces methionine 1874 with arginine.
Molecular consequence: missense variant.
Genome position (GRCh38, 1-based): chr2:165,090,532, A>C on the plus strand (T>G on the coding strand, the complement: SCN3A is on the minus strand). VCF-style: chr2-165090532-A-C. GRCh37 (hg19) VCF-style: chr2-165947042-A-C.
Other names: c.5474T>G, p.Met1825Arg (NM_001081676.2, NM_001081677.2); short protein forms M1825R, M1874R.
Identifiers: ClinVar variation 1320056 (VCV001320056.1), dbSNP rs1685039783, ClinGen allele CA349010869.